The following is an entry in ClinVar:

NM_000784.4(CYP27A1):c.1476+2T>A

Gene: CYP27A1 (cytochrome P450 family 27 subfamily A member 1; plus strand). Cytogenetic location: 2q35.
Variant type: single nucleotide variant.
Coding change: c.1476+2T>A on transcript NM_000784.4 (MANE Select); the canonical splice donor site of the intron after coding-DNA position 1476, T replaced by A.
Molecular consequence: splice donor variant.
Genome position (GRCh38, 1-based): chr2:218,814,759, T>A. VCF-style: chr2-218814759-T-A. GRCh37 (hg19) VCF-style: chr2-219679482-T-A.
Other names: c.1476+2T>A (NM_000784.3).
Identifiers: ClinVar variation 1915207 (VCV001915207.7), dbSNP rs1165952837, ClinGen allele CA350595695.

ClinVar aggregate classification (germline): Pathogenic/Likely pathogenic. Review status: criteria provided, multiple submitters, no conflicts (2 of 4 stars). 2 submissions from 2 submitters: Pathogenic (1); Likely pathogenic (1). Last evaluated 2025-12-16.

Conditions:
Cholestanol storage disease (CTX). Also called: CEREBRAL CHOLESTERINOSIS; Cerebrotendinous Xanthomatosis; CTX: Cerebrotendinous xanthomatosis. Identifiers: Orphanet 909, MedGen C0238052, MONDO:0008948, OMIM 213700.

Allele frequency attached by ClinVar (database versions not stated): gnomAD 0.00002; TOPMed 0.00002.
gnomAD v4.1: 4 of 1,613,650 alleles (0.00025%); highest among the groups gnomAD compares: African/African-American, 0.0053%; no homozygotes.

Submissions (2):

Labcorp Genetics (formerly Invitae), Labcorp
Classification: Pathogenic for Cholestanol storage disease. Last evaluated: 2025-12-16. Review status: criteria provided, single submitter. Criteria: Invitae Variant Classification Sherloc (09022015). Collection method: clinical testing. Allele origin: germline.
Comment: This sequence change affects a donor splice site in intron 8 of the CYP27A1 gene. While this variant is not anticipated to result in nonsense mediated decay, it likely alters RNA splicing and results in a disrupted protein product. This variant is not present in population databases (gnomAD no frequency). Disruption of this splice site has been observed in individual(s) with clinical features of CYP27A1-related conditions (PMID: 27084087, 33624863). ClinVar contains an entry for this variant (Variation ID: 1915207). Variants that disrupt the consensus splice site are a relatively common cause of aberrant splicing (PMID: 17576681, 9536098). Algorithms developed to predict the effect of sequence changes on RNA splicing suggest that this variant may disrupt the consensus splice site. This variant disrupts a region of the CYP27A1 protein in which other variant(s) (p.Arg513Cys) have been determined to be pathogenic (PMID: 28623566, 31743419, 32714376, 34012265). This suggests that this is a clinically significant region of the protein, and that variants that disrupt it are likely to be disease-causing. For these reasons, this variant has been classified as Pathogenic.

Natera, Inc.
Classification: Likely pathogenic for Cerebrotendinous xanthomatosis. Last evaluated: 2025-04-01. Review status: criteria provided, single submitter. Criteria: Natera Variant Classification Schema (03/2026). Collection method: clinical testing. Allele origin: germline.
Comment: The c.1476+2T>A variant in CYP27A1 is a canonical splice donor site variant predicted to affect pre-mRNA splicing, which may result in an abnormal transcript and altered protein product. This variant is expected to result in nonsense mediated decay, truncation, or a dysfunctional protein product. This variant is rare in the general population with a frequency below the threshold expected for the associated phenotype(s). Given the available evidence, this variant is classified as Likely Pathogenic.

Literature cited by the submitters: PubMed 27084087 (cited by Labcorp Genetics (formerly Invitae), Labcorp); PubMed 33624863 (cited by Labcorp Genetics (formerly Invitae), Labcorp); PubMed 17576681 (cited by Labcorp Genetics (formerly Invitae), Labcorp); PubMed 9536098 (cited by Labcorp Genetics (formerly Invitae), Labcorp); PubMed 28623566 (cited by Labcorp Genetics (formerly Invitae), Labcorp); PubMed 31743419 (cited by Labcorp Genetics (formerly Invitae), Labcorp); PubMed 32714376 (cited by Labcorp Genetics (formerly Invitae), Labcorp); PubMed 34012265 (cited by Labcorp Genetics (formerly Invitae), Labcorp).